The following is an entry in ClinVar:

ClinVar aggregate classification (germline): Conflicting classifications of pathogenicity. Review status: criteria provided, conflicting classifications (1 of 4 stars). 4 submissions from 4 submitters: Uncertain significance (3); Likely benign (1). Last evaluated 2026-08-03.

Conditions:
ZNF469-related disorder. Also called: ZNF469-related condition.
Cardiovascular phenotype. Identifiers: MedGen CN230736.

Allele frequency attached by ClinVar (database versions not stated): gnomAD exomes 0.00005 and 0.00008; ExAC 0.00014; gnomAD 0.00041 and 0.00047; TOPMed 0.00050.
gnomAD v4.1: 133 of 1,549,426 alleles (0.0086%); highest among the groups gnomAD compares: African/African-American, 0.17%; 1 homozygote.

Submissions (4):

PreventionGenetics, part of Exact Sciences
Classification: Uncertain significance for ZNF469-related condition. Last evaluated: 2026-08-03. Review status: criteria provided, single submitter. Criteria: ACMG Guidelines, 2015. Collection method: clinical testing. Allele origin: germline.
Comment: The ZNF469 c.2033C>A variant is predicted to result in the amino acid substitution p.Ala678Asp. To our knowledge, this variant has not been reported in the literature. This variant is reported in 0.15% of alleles in individuals of African descent in gnomAD, which may be too frequent to be a primary cause of disease. Although we suspect that this variant may be benign, at this time, the clinical significance of this variant is uncertain due to the absence of conclusive functional and genetic evidence.

Labcorp Genetics (formerly Invitae), Labcorp
Classification: Uncertain significance. Last evaluated: 2024-09-27. Review status: criteria provided, single submitter. Criteria: Invitae Variant Classification Sherloc (09022015). Collection method: clinical testing. Allele origin: germline.
Comment: This sequence change replaces alanine, which is neutral and non-polar, with aspartic acid, which is acidic and polar, at codon 678 of the ZNF469 protein (p.Ala678Asp). This variant is present in population databases (rs759081607, gnomAD 0.2%). This variant has not been reported in the literature in individuals affected with ZNF469-related conditions. ClinVar contains an entry for this variant (Variation ID: 1212584). An algorithm developed to predict the effect of missense changes on protein structure and function outputs the following: PolyPhen-2: "Benign". The aspartic acid amino acid residue is found in multiple mammalian species, which suggests that this missense change does not adversely affect protein function. In summary, the available evidence is currently insufficient to determine the role of this variant in disease. Therefore, it has been classified as a Variant of Uncertain Significance.

GeneDx
Classification: Uncertain significance. Last evaluated: 2023-12-13. Review status: criteria provided, single submitter. Criteria: GeneDx Variant Classification Process June 2021. Collection method: clinical testing. Allele origin: germline. Affected: yes.
Comment: In silico analysis supports that this missense variant does not alter protein structure/function; Has not been previously published as pathogenic or benign to our knowledge

Ambry Genetics
Classification: Likely benign for Cardiovascular phenotype. Last evaluated: 2023-02-12. Review status: criteria provided, single submitter. Criteria: Ambry Variant Classification Scheme 2023. Collection method: clinical testing. Allele origin: germline.

NM_001367624.2(ZNF469):c.2033C>A (p.Ala678Asp)

Gene: ZNF469 (zinc finger protein 469; plus strand). Cytogenetic location: 16q24.2.
Variant type: single nucleotide variant.
Coding change: c.2033C>A on transcript NM_001367624.2 (MANE Select); coding-DNA position 2033, C replaced by A.
Protein change: p.Ala678Asp; replaces alanine 678 with aspartic acid.
Molecular consequence: missense variant.
Genome position (GRCh38, 1-based): chr16:88,429,503, C>A. VCF-style: chr16-88429503-C-A. GRCh37 (hg19) VCF-style: chr16-88495911-C-A.
Other names: NM_001127464.1:c.2033C>A; NM_001127464.2:c.2033C>A; short protein forms A678D.
Identifiers: ClinVar variation 1212584 (VCV001212584.11), dbSNP rs759081607, ClinGen allele CA8224737.